The following is an entry in ClinVar:

ClinVar aggregate classification (germline): Uncertain significance (1 of 4 stars; one submission).

Submission:

GeneDx
Classification: Uncertain significance. Last evaluated: 2024-11-14. Review status: criteria provided, single submitter. Criteria: GeneDx Variant Classification Process June 2021. Collection method: clinical testing. Allele origin: germline. Affected: yes.
Comment: Not observed at significant frequency in large population cohorts (gnomAD); In silico analysis supports that this missense variant has a deleterious effect on protein structure/function; Has not been previously published as pathogenic or benign to our knowledge

NM_001025616.3(ARHGAP24):c.745T>G (p.Leu249Val)

Gene: ARHGAP24 (Rho GTPase activating protein 24; plus strand). Cytogenetic location: 4q21.23.
Variant type: single nucleotide variant.
Coding change: c.745T>G on transcript NM_001025616.3 (MANE Select); coding-DNA position 745, T replaced by G.
Protein change: p.Leu249Val; replaces leucine 249 with valine.
Molecular consequence: missense variant.
Genome position (GRCh38, 1-based): chr4:85,974,900, T>G. VCF-style: chr4-85974900-T-G. GRCh37 (hg19) VCF-style: chr4-86896053-T-G.
Other names: c.460T>G, p.Leu154Val (NM_001042669.2); c.490T>G, p.Leu164Val (NM_001287805.2); c.166T>G, p.Leu56Val (NM_001346093.2); c.466T>G, p.Leu156Val (NM_031305.3); short protein forms L154V, L156V, L164V, L249V, L56V.
Identifiers: ClinVar variation 3899617 (VCV003899617.1).